The following is an entry in ClinVar:

ClinVar aggregate classification (germline): Uncertain significance (1 of 4 stars; one submission).

Conditions:
Arrhythmogenic cardiomyopathy with wooly hair and keratoderma. Also called: Dilated cardiomyopathy with woolly hair and keratoderma; PALMOPLANTAR KERATODERMA WITH LEFT VENTRICULAR CARDIOMYOPATHY AND WOOLLY HAIR; Carvajal syndrome; Arrhythmogenic cardiomyopathy with woolly hair and keratoderma. Identifiers: Orphanet 65282, MedGen C1854063, MONDO:0011581, OMIM 605676.
Arrhythmogenic right ventricular dysplasia 8 (ARVD8). Also called: Arrhythmogenic Right Ventricular Dysplasia/Cardiomyopathy 8; ARRHYTHMOGENIC RIGHT VENTRICULAR DYSPLASIA, FAMILIAL, 8; ARRHYTHMOGENIC RIGHT VENTRICULAR CARDIOMYOPATHY 8. Identifiers: MedGen C1843896, MONDO:0011831, OMIM 607450.

Submission:

Labcorp Genetics (formerly Invitae), Labcorp
Classification: Uncertain significance for Arrhythmogenic cardiomyopathy with wooly hair and keratoderma; Arrhythmogenic right ventricular dysplasia 8. Last evaluated: 2021-11-27. Review status: criteria provided, single submitter. Criteria: Invitae Variant Classification Sherloc (09022015). Collection method: clinical testing. Allele origin: germline.
Comment: In summary, the available evidence is currently insufficient to determine the role of this variant in disease. Therefore, it has been classified as a Variant of Uncertain Significance. Algorithms developed to predict the effect of missense changes on protein structure and function are either unavailable or do not agree on the potential impact of this missense change (SIFT: "Deleterious"; PolyPhen-2: "Probably Damaging"; Align-GVGD: "Class C0"). This variant has not been reported in the literature in individuals affected with DSP-related conditions. This variant is not present in population databases (gnomAD no frequency). This sequence change replaces aspartic acid, which is acidic and polar, with asparagine, which is neutral and polar, at codon 472 of the DSP protein (p.Asp472Asn).

NM_004415.4(DSP):c.1414G>A (p.Asp472Asn)

Gene: DSP (desmoplakin; plus strand). Cytogenetic location: 6p24.3.
Variant type: single nucleotide variant.
Coding change: c.1414G>A on transcript NM_004415.4 (MANE Select); coding-DNA position 1414, G replaced by A.
Protein change: p.Asp472Asn; replaces aspartic acid 472 with asparagine.
Molecular consequence: missense variant.
Genome position (GRCh38, 1-based): chr6:7,568,584, G>A. VCF-style: chr6-7568584-G-A. GRCh37 (hg19) VCF-style: chr6-7568817-G-A.
Other names: c.1414G>A, p.Asp472Asn (NM_001008844.3, NM_001319034.2); short protein forms D472N.
Identifiers: ClinVar variation 1444675 (VCV001444675.6), dbSNP rs2113674467, ClinGen allele CA362676850.